The following is an entry in ClinVar:

ClinVar aggregate classification (germline): Uncertain significance. Review status: criteria provided, multiple submitters, no conflicts (2 of 4 stars). 2 submissions from 2 submitters: Uncertain significance (2). Last evaluated 2025-04-09.

Conditions:
Neuroblastoma, susceptibility to, 3. Also called: ALK-Related Neuroblastic Tumor Susceptibility. Identifiers: Orphanet 635, MedGen C2751681, MONDO:0013083, OMIM 613014.
Hereditary cancer-predisposing syndrome. Also called: Neoplastic Syndromes, Hereditary; Hereditary Cancer Syndrome; Hereditary neoplastic syndrome; Tumor predisposition. Identifiers: Orphanet 140162, MedGen C0027672, MeSH D009386, MONDO:0015356.

Allele frequency attached by ClinVar (database versions not stated): TOPMed 0.00001.
gnomAD v4.1: 1 of 1,614,148 alleles (0.000062%); no homozygotes.

Submissions (2):

Labcorp Genetics (formerly Invitae), Labcorp
Classification: Uncertain significance for Neuroblastoma, susceptibility to, 3. Last evaluated: 2025-04-09. Review status: criteria provided, single submitter. Criteria: Invitae Variant Classification Sherloc (09022015). Collection method: clinical testing. Allele origin: germline.
Comment: This sequence change replaces proline, which is neutral and non-polar, with leucine, which is neutral and non-polar, at codon 1592 of the ALK protein (p.Pro1592Leu). This variant is not present in population databases (gnomAD no frequency). This variant has not been reported in the literature in individuals affected with ALK-related conditions. ClinVar contains an entry for this variant (Variation ID: 847846). An algorithm developed to predict the effect of missense changes on protein structure and function (PolyPhen-2) suggests that this variant is likely to be disruptive. In summary, the available evidence is currently insufficient to determine the role of this variant in disease. Therefore, it has been classified as a Variant of Uncertain Significance.

Ambry Genetics
Classification: Uncertain significance for Hereditary cancer-predisposing syndrome. Last evaluated: 2024-08-19. Review status: criteria provided, single submitter. Criteria: Ambry Variant Classification Scheme 2023. Collection method: clinical testing. Allele origin: germline.
Comment: The p.P1592L variant (also known as c.4775C>T), located in coding exon 29 of the ALK gene, results from a C to T substitution at nucleotide position 4775. The proline at codon 1592 is replaced by leucine, an amino acid with similar properties. This amino acid position is conserved. In addition, this alteration is predicted to be tolerated by in silico analysis. Since supporting evidence is limited at this time, the clinical significance of this alteration remains unclear.

NM_004304.5(ALK):c.4775C>T (p.Pro1592Leu)

Gene: ALK (ALK receptor tyrosine kinase; minus strand). Cytogenetic location: 2p23.2.
Variant type: single nucleotide variant.
Coding change: c.4775C>T on transcript NM_004304.5 (MANE Select); coding-DNA position 4775, C replaced by T.
Protein change: p.Pro1592Leu; replaces proline 1592 with leucine.
Molecular consequence: missense variant.
Genome position (GRCh38, 1-based): chr2:29,193,312, G>A on the plus strand (C>T on the coding strand, the complement: ALK is on the minus strand). VCF-style: chr2-29193312-G-A. GRCh37 (hg19) VCF-style: chr2-29416178-G-A.
Other names: c.1571C>T, p.Pro524Leu (NM_001353765.2); short protein forms P1592L, P524L.
Identifiers: ClinVar variation 847846 (VCV000847846.13), dbSNP rs1668922506, ClinGen allele CA346460267.